The following is an entry in ClinVar:

NM_001378743.1(CYLD):c.963_970delinsATGG (p.Phe321fs)

Gene: CYLD (CYLD lysine 63 deubiquitinase; plus strand). Cytogenetic location: 16q12.1.
Variant type: Indel.
Coding change: c.963_970delinsATGG on transcript NM_001378743.1 (MANE Select); coding-DNA positions 963 to 970, TATGTCAA replaced by ATGG.
Protein change: p.Phe321fs; shifts the reading frame from phenylalanine 321.
Molecular consequence: frameshift variant. On other transcripts: non-coding transcript variant (1).
Genome position (GRCh38, 1-based): chr16:50,776,219-50,776,226, TATGTCAA replaced by ATGG. VCF-style: chr16-50776219-TATGTCAA-ATGG. GRCh37 (hg19) VCF-style: chr16-50810130-TATGTCAA-ATGG.
Other names: c.954_961delinsATGG, p.Phe318fs (NM_001042355.2, NM_001042412.3, NM_001378744.1 and 9 more transcripts); c.288_295delinsATGG, p.Phe96fs (NM_001378754.1, NM_001378755.1); c.963_970delinsATGG, p.Phe321fs (NM_015247.3); short protein forms F321fs, F96fs, F318fs.
Identifiers: ClinVar variation 4721065 (VCV004721065.1).

ClinVar aggregate classification (germline): Pathogenic (1 of 4 stars; one submission).

Submission:

Labcorp Genetics (formerly Invitae), Labcorp
Classification: Pathogenic. Last evaluated: 2025-06-09. Review status: criteria provided, single submitter. Criteria: Invitae Variant Classification Sherloc (09022015). Collection method: clinical testing. Allele origin: germline.
Comment: This sequence change creates a premature translational stop signal (p.Phe321Leufs*37) in the CYLD gene. It is expected to result in an absent or disrupted protein product. Loss-of-function variants in CYLD are known to be pathogenic (PMID: 19462465). This variant is not present in population databases (gnomAD no frequency). This variant has not been reported in the literature in individuals affected with CYLD-related conditions. For these reasons, this variant has been classified as Pathogenic.

Literature cited by the submitters: PubMed 19462465.